The following is an entry in ClinVar:

ClinVar aggregate classification (germline): Benign/Likely benign. Review status: criteria provided, multiple submitters, no conflicts (2 of 4 stars). 2 submissions from 2 submitters: Benign (1); Likely benign (1). Last evaluated 2024-07-15.

Conditions:
BAP1-related tumor predisposition syndrome (TPDS1). Also called: Tumor susceptibility linked to germline BAP1 mutations; COMMON Syndrome; TUMOR PREDISPOSITION SYNDROME 1; BAP1 tumor predisposition syndrome. Identifiers: Orphanet 289539, MedGen C3280492, MONDO:0013692, OMIM 614327.

Submissions (2):

Myriad Genetics, Inc.
Classification: Benign for BAP1-related tumor predisposition syndrome. Last evaluated: 2024-07-15. Review status: criteria provided, single submitter. Criteria: Myriad Autosomal Dominant, Autosomal Recessive and X-Linked Classification Criteria (2023). Collection method: clinical testing. Allele origin: unknown.
Comment: This variant is considered benign. This variant is a silent/synonymous amino acid change and it is not expected to impact splicing.

Labcorp Genetics (formerly Invitae), Labcorp
Classification: Likely benign for BAP1-related tumor predisposition syndrome. Last evaluated: 2019-03-29. Review status: criteria provided, single submitter. Criteria: Invitae Variant Classification Sherloc (09022015). Collection method: clinical testing. Allele origin: germline.

NM_004656.4(BAP1):c.861A>G (p.Ser287=)

Gene: BAP1 (BRCA1 associated deubiquitinase 1; minus strand). Cytogenetic location: 3p21.1.
Variant type: single nucleotide variant.
Coding change: c.861A>G on transcript NM_004656.4 (MANE Select); coding-DNA position 861, A replaced by G.
Protein change: p.Ser287=; no amino-acid change (serine 287 retained).
Molecular consequence: synonymous variant.
Genome position (GRCh38, 1-based): chr3:52,405,835, T>C on the plus strand (A>G on the coding strand, the complement: BAP1 is on the minus strand). VCF-style: chr3-52405835-T-C. GRCh37 (hg19) VCF-style: chr3-52439851-T-C.
Identifiers: ClinVar variation 1142690 (VCV001142690.8), dbSNP rs2153227242, ClinGen allele CA433775670.